The following is an entry in ClinVar:

NM_004329.3(BMPR1A):c.551C>T (p.Ser184Leu)

Gene: BMPR1A (bone morphogenetic protein receptor type 1A; plus strand). Cytogenetic location: 10q23.2.
Variant type: single nucleotide variant.
Coding change: c.551C>T on transcript NM_004329.3 (MANE Select); coding-DNA position 551, C replaced by T.
Protein change: p.Ser184Leu; replaces serine 184 with leucine.
Molecular consequence: missense variant.
Genome position (GRCh38, 1-based): chr10:86,912,260, C>T. VCF-style: chr10-86912260-C-T. GRCh37 (hg19) VCF-style: chr10-88672017-C-T.
Other names: short protein forms S184L.
Identifiers: ClinVar variation 529913 (VCV000529913.10), dbSNP rs1131691185, ClinGen allele CA377454243.
Genomic context (GRCh38, chr10:86,912,260, plus strand): 5'-TTTCATTTTTAATGTAGATTGTTTTCTGCTTTTTTAAAAGACATTATTGCAAGAGCATCT[C>T]AAGCAGACGTCGTTACAATCGTGATTTGGAACAGGATGAAGCATTTATTCCAGTTGGAGA-3'
Protein context (NP_004320.2, residues 174-194): FCYKHYCKSI[Ser184Leu]SRRRYNRDLE

ClinVar aggregate classification (germline): Uncertain significance (1 of 4 stars; one submission).

Conditions:
Juvenile polyposis syndrome (JPS). Identifiers: Orphanet 2929, MedGen C0345893, MONDO:0017380, OMIM 174900.

Submission:

Labcorp Genetics (formerly Invitae), Labcorp
Classification: Uncertain significance for Juvenile polyposis syndrome. Last evaluated: 2017-12-21. Review status: criteria provided, single submitter. Criteria: Invitae Variant Classification Sherloc (09022015). Collection method: clinical testing. Allele origin: germline.
Comment: In summary, the available evidence is currently insufficient to determine the role of this variant in disease. Therefore, it has been classified as a Variant of Uncertain Significance. Algorithms developed to predict the effect of missense changes on protein structure and function (SIFT, PolyPhen-2, Align-GVGD) all suggest that this variant is likely to be tolerated, but these predictions have not been confirmed by published functional studies and their clinical significance is uncertain. This variant has not been reported in the literature in individuals with BMPR1A-related disease. This variant is not present in population databases (ExAC no frequency). This sequence change replaces serine with leucine at codon 184 of the BMPR1A protein (p.Ser184Leu). The serine residue is moderately conserved and there is a large physicochemical difference between serine and leucine.